The following is an entry in ClinVar:

ClinVar aggregate classification (germline): Likely pathogenic (1 of 4 stars; one submission).

Conditions:
Ehlers-Danlos syndrome, type 4 (EDSVASC). Also called: Ehlers-Danlos syndrome vascular type; Ehlers Danlos syndrome, ecchymotic type; Ehlers Danlos syndrome, arterial type; Ehlers Danlos syndrome, Sack-Barabas type; Ehlers-Danlos Syndrome Type IV. Identifiers: Orphanet 286, MedGen C0268338, MONDO:0017314, OMIM 130050.

Submission:

Juno Genomics, Hangzhou Juno Genomics, Inc
Classification: Likely pathogenic for Ehlers-Danlos syndrome, type 4. Review status: criteria provided, single submitter. Criteria: ACMG Guidelines, 2015. Collection method: clinical testing. Allele origin: germline.
Comment: Absent from controls (or at extremely low frequency if recessive) in Genome Aggregation Database.;Multiple lines of computational evidence support a deleterious effect on the gene or gene product.;Missense variant in a gene that has a low rate of benign missense variation.;The prevalence of the variant in affected individuals is significantly increased compared to the prevalence in controls.;Patient's phenotype or family history is highly specific for a disease with a single genetic etiology.;Co-segregation with disease in multiple affected family members.

NM_000090.4(COL3A1):c.1349G>T (p.Gly450Val)

Gene: COL3A1 (collagen type III alpha 1 chain; plus strand). Cytogenetic location: 2q32.2.
Variant type: single nucleotide variant.
Coding change: c.1349G>T on transcript NM_000090.4 (MANE Select); coding-DNA position 1349, G replaced by T.
Protein change: p.Gly450Val; replaces glycine 450 with valine.
Molecular consequence: missense variant.
Genome position (GRCh38, 1-based): chr2:188,994,725, G>T. VCF-style: chr2-188994725-G-T. GRCh37 (hg19) VCF-style: chr2-189859451-G-T.
Other names: short protein forms G450V.
Identifiers: ClinVar variation 3899366 (VCV003899366.3).